The following is an entry in ClinVar:

ClinVar aggregate classification (germline): Benign. Review status: criteria provided, multiple submitters, no conflicts (2 of 4 stars). 10 submissions from 10 submitters: Benign (6). 4 of the submissions do not count toward it. Last evaluated 2026-02-03.

Conditions:
Biotin-responsive basal ganglia disease (BTBGD). Also called: Thiamine metabolism dysfunction syndrome type 2; Thiamine Transporter-2 Deficiency; Thiamine metabolism dysfunction syndrome 2 (biotin- or thiamine-responsive encephalopathy type 2); thiamine-responsive encephalopathy; THIAMINE METABOLISM DYSFUNCTION SYNDROME 2 (BIOTIN- AND THIAMINE-RESPONSIVE TYPE). Identifiers: Orphanet 199348, Orphanet 65284, MedGen C1843807, MONDO:0011841, OMIM 607483.

Allele frequency attached by ClinVar (database versions not stated): gnomAD 0.03052 and 0.03276; ESP Exome Variant Server 0.03245; 1000 Genomes Project 0.03474; 1000 Genomes Project 30x 0.03560; TOPMed 0.03410.
gnomAD v4.1: 8,999 of 1,614,040 alleles (0.56%); highest among the groups gnomAD compares: African/African-American, 11%; 450 homozygotes.

Submissions (10):

Labcorp Genetics (formerly Invitae), Labcorp
Classification: Benign for Biotin-responsive basal ganglia disease. Last evaluated: 2026-02-03. Review status: criteria provided, single submitter. Criteria: Invitae Variant Classification Sherloc (09022015). Collection method: clinical testing. Allele origin: germline.

Illumina Laboratory Services, Illumina
Classification: Benign for Biotin-responsive basal ganglia disease. Last evaluated: 2018-01-13. Review status: criteria provided, single submitter. Criteria: ICSL Variant Classification Criteria 13 December 2019. Collection method: clinical testing. Allele origin: germline.
Comment: This variant was observed in the ICSL laboratory as part of a predisposition screen in an ostensibly healthy population. It had not been previously curated by ICSL or reported in the Human Gene Mutation Database (HGMD: prior to June 1st, 2018), and was therefore a candidate for classification through an automated scoring system. Utilizing variant allele frequency, disease prevalence and penetrance estimates, and inheritance mode, an automated score was calculated to assess if this variant is too frequent to cause the disease. Based on the score and internal cut-off values, a variant classified as benign is not then subjected to further curation. The score for this variant resulted in a classification of benign for this disease.

Athena Diagnostics
Classification: Benign. Last evaluated: 2017-06-29. Review status: criteria provided, single submitter. Criteria: Athena Diagnostics Criteria. Collection method: clinical testing. Allele origin: germline.

GeneDx
Classification: Benign. Last evaluated: 2014-02-03. Review status: criteria provided, single submitter. Criteria: GeneDx Variant Classification (06012015). Collection method: clinical testing. Allele origin: germline. Affected: yes.
Comment: This variant is considered likely benign or benign based on one or more of the following criteria: it is a conservative change, it occurs at a poorly conserved position in the protein, it is predicted to be benign by multiple in silico algorithms, and/or has population frequency not consistent with disease.

Breakthrough Genomics
Classification: Benign. Review status: criteria provided, single submitter. Criteria: ACMG Guidelines, 2015. Collection method: not provided. Allele origin: germline. Inheritance: Autosomal recessive inheritance. Affected: yes.

PreventionGenetics, part of Exact Sciences
Classification: Benign. Review status: criteria provided, single submitter. Criteria: ACMG Guidelines, 2015. Collection method: clinical testing. Allele origin: germline.

Mayo Clinic Laboratories, Mayo Clinic
Classification: Benign. Last evaluated: 2016-03-16. Review status: no assertion criteria provided. Collection method: clinical testing. Allele origin: unknown. Not counted in ClinVar's aggregate classification.

Genetic Services Laboratory, University of Chicago
Classification: Likely benign for AllHighlyPenetrant. Review status: no assertion criteria provided. Collection method: clinical testing. Allele origin: germline. Inheritance: Autosomal recessive inheritance. Not counted in ClinVar's aggregate classification.
Comment: Likely benign based on allele frequency in 1000 Genomes Project or ESP global frequency and its presence in a patient with a rare or unrelated disease phenotype. NOT Sanger confirmed.

Genome Diagnostics Laboratory, University Medical Center Utrecht
Classification: Benign. Review status: no assertion criteria provided. Collection method: clinical testing. Allele origin: germline. Affected: yes. Study: VKGL Data-share Consensus. Not counted in ClinVar's aggregate classification.

Joint Genome Diagnostic Labs from Nijmegen and Maastricht, Radboudumc and MUMC+
Classification: Benign. Review status: no assertion criteria provided. Collection method: clinical testing. Allele origin: germline. Affected: yes. Study: VKGL Data-share Consensus. Not counted in ClinVar's aggregate classification.

NM_025243.4(SLC19A3):c.520G>A (p.Val174Ile)

Gene: SLC19A3 (solute carrier family 19 member 3; minus strand). Cytogenetic location: 2q36.3.
Variant type: single nucleotide variant.
Coding change: c.520G>A on transcript NM_025243.4 (MANE Select); coding-DNA position 520, G replaced by A.
Protein change: p.Val174Ile; replaces valine 174 with isoleucine.
Molecular consequence: missense variant.
Genome position (GRCh38, 1-based): chr2:227,699,195, C>T on the plus strand (G>A on the coding strand, the complement: SLC19A3 is on the minus strand). VCF-style: chr2-227699195-C-T. GRCh37 (hg19) VCF-style: chr2-228563911-C-T.
Other names: p.V174I:GTC>ATC; short protein forms V174I.
Identifiers: ClinVar variation 130324 (VCV000130324.27), dbSNP rs59736804, ClinGen allele CA289051.